The following is an entry in ClinVar:

ClinVar aggregate classification (germline): Conflicting classifications of pathogenicity. Review status: criteria provided, conflicting classifications (1 of 4 stars). 2 submissions from 2 submitters: Uncertain significance (1); Likely benign (1). Last evaluated 2023-03-01.

Allele frequency attached by ClinVar (database versions not stated): ExAC 0.00006; gnomAD 0.00008; gnomAD exomes 0.00009; TOPMed 0.00015.
gnomAD v4.1: 160 of 1,613,954 alleles (0.0099%); highest among the groups gnomAD compares: Middle Eastern, 0.16%; 2 homozygotes.

Submissions (2):

CeGaT Center for Human Genetics Tuebingen
Classification: Likely benign. Last evaluated: 2023-03-01. Review status: criteria provided, single submitter. Criteria: CeGaT Center For Human Genetics Tuebingen Variant Classification Criteria Version 2. Collection method: clinical testing. Allele origin: germline. Affected: yes. Observed: 1 variant allele.
Comment: ZFHX4: BP4

Ambry Genetics
Classification: Uncertain significance. Last evaluated: 2022-09-14. Review status: criteria provided, single submitter. Criteria: Ambry Variant Classification Scheme 2023. Collection method: clinical testing. Allele origin: germline.

NM_024721.5(ZFHX4):c.4118C>A (p.Thr1373Lys)

Gene: ZFHX4 (zinc finger homeobox 4; plus strand). Cytogenetic location: 8q21.13.
Variant type: single nucleotide variant.
Coding change: c.4118C>A on transcript NM_024721.5 (MANE Select); coding-DNA position 4118, C replaced by A.
Protein change: p.Thr1373Lys; replaces threonine 1373 with lysine.
Molecular consequence: missense variant.
Genome position (GRCh38, 1-based): chr8:76,851,039, C>A. VCF-style: chr8-76851039-C-A. GRCh37 (hg19) VCF-style: chr8-77763275-C-A.
Other names: c.4040C>A, p.Thr1347Lys (NM_001410934.1); c.4118C>A (NM_024721.4); short protein forms T1347K, T1373K.
Identifiers: ClinVar variation 2658664 (VCV002658664.25), dbSNP rs781583220, ClinGen allele CA4787455.